The following is an entry in ClinVar:

ClinVar aggregate classification (germline): Uncertain significance (1 of 4 stars; one submission).

Submission:

Labcorp Genetics (formerly Invitae), Labcorp
Classification: Uncertain significance. Last evaluated: 2026-01-22. Review status: criteria provided, single submitter. Criteria: Invitae Variant Classification Sherloc (09022015). Collection method: clinical testing. Allele origin: germline.
Comment: This sequence change falls in intron 4 of the DDX41 gene. It does not directly change the encoded amino acid sequence of the DDX41 protein. This variant is not present in population databases (gnomAD no frequency). This variant has not been reported in the literature in individuals affected with DDX41-related conditions. Algorithms developed to predict the effect of sequence changes on RNA splicing suggest that this variant may disrupt the consensus splice site. In summary, the available evidence is currently insufficient to determine the role of this variant in disease. Therefore, it has been classified as a Variant of Uncertain Significance.

NM_016222.4(DDX41):c.374-10C>G

Gene: DDX41 (DEAD-box helicase 41; minus strand). Cytogenetic location: 5q35.3.
Variant type: single nucleotide variant.
Coding change: c.374-10C>G on transcript NM_016222.4 (MANE Select); 10 bases into the intron before coding-DNA position 374, C replaced by G.
Molecular consequence: intron variant.
Genome position (GRCh38, 1-based): chr5:177,515,999, G>C on the plus strand (C>G on the coding strand, the complement: DDX41 is on the minus strand). VCF-style: chr5-177515999-G-C. GRCh37 (hg19) VCF-style: chr5-176943000-G-C.
Other names: c.-5-10C>G (NM_001321830.2, NM_001321732.2).
Identifiers: ClinVar variation 4699044 (VCV004699044.1).